The following is an entry in ClinVar:

ClinVar aggregate classification (germline): Likely benign. Review status: criteria provided, multiple submitters, no conflicts (2 of 4 stars). 2 submissions from 2 submitters: Likely benign (2). Last evaluated 2025-01-15.

Conditions:
DHCR7-related disorder. Also called: DHCR7-related condition.
Smith-Lemli-Opitz syndrome (SLOS). Also called: 7-Dehydrocholesterol reductase deficiency; LETHAL ACRODYSGENITAL SYNDROME; POLYDACTYLY, SEX REVERSAL, RENAL HYPOPLASIA, AND UNILOBAR LUNG; RSH SYNDROME; RUTLEDGE LETHAL MULTIPLE CONGENITAL ANOMALY SYNDROME. Identifiers: Orphanet 818, MedGen C0175694, MONDO:0010035, OMIM 270400.

Allele frequency attached by ClinVar (database versions not stated): gnomAD 0.00001; gnomAD exomes 0.00001; ExAC 0.00002; TOPMed 0.00002.

Submissions (2):

PreventionGenetics, part of Exact Sciences
Classification: Likely benign for DHCR7-related condition. Last evaluated: 2025-01-15. Review status: criteria provided, single submitter. Criteria: ACMG Guidelines, 2015. Collection method: clinical testing. Allele origin: germline.
Comment: This variant is classified as likely benign based on ACMG/AMP sequence variant interpretation guidelines (Richards et al. 2015 PMID: 25741868, with internal and published modifications).

Labcorp Genetics (formerly Invitae), Labcorp
Classification: Likely benign for Smith-Lemli-Opitz syndrome. Last evaluated: 2022-07-25. Review status: criteria provided, single submitter. Criteria: Invitae Variant Classification Sherloc (09022015). Collection method: clinical testing. Allele origin: germline.

NM_001360.3(DHCR7):c.273T>C (p.Pro91=)

Gene: DHCR7 (7-dehydrocholesterol reductase; minus strand). Cytogenetic location: 11q13.4.
Variant type: single nucleotide variant.
Coding change: c.273T>C on transcript NM_001360.3 (MANE Select); coding-DNA position 273, T replaced by C.
Protein change: p.Pro91=; no amino-acid change (proline 91 retained).
Molecular consequence: synonymous variant.
Genome position (GRCh38, 1-based): chr11:71,444,041, A>G on the plus strand (T>C on the coding strand, the complement: DHCR7 is on the minus strand). VCF-style: chr11-71444041-A-G. GRCh37 (hg19) VCF-style: chr11-71155087-A-G.
Other names: c.273T>C, p.Pro91= (NM_001163817.2); c.273T>C (NM_001360.2).
Identifiers: ClinVar variation 1146502 (VCV001146502.10), dbSNP rs772671149, ClinGen allele CA6162648.
Genomic context (GRCh38, chr11:71,444,041, plus strand): 5'-GGGGCTGCTGACCTGGAAGGTGACCCACAAGGTATAGAGCTGGGCGGCTTTCCTCGTTAT[A>G]GGTGGAGTCTTGGCCCAGATGTCCGAGAGCCGAGCATGTCCGGTGACGATGTCCACCACA-3'
Protein context (NP_001351.2, residues 81-101): RLSDIWAKTP[Pro91=]ITRKAAQLYT